The following is an entry in ClinVar:

NM_000297.4(PKD2):c.2120G>A (p.Gly707Asp)

Gene: PKD2 (polycystin 2, transient receptor potential cation channel; plus strand). Cytogenetic location: 4q22.1.
Variant type: single nucleotide variant.
Coding change: c.2120G>A on transcript NM_000297.4 (MANE Select); coding-DNA position 2120, G replaced by A.
Protein change: p.Gly707Asp; replaces glycine 707 with aspartic acid.
Molecular consequence: missense variant. On other transcripts: non-coding transcript variant (1).
Genome position (GRCh38, 1-based): chr4:88,065,375, G>A. VCF-style: chr4-88065375-G-A. GRCh37 (hg19) VCF-style: chr4-88986527-G-A.
Other names: c.1895G>A, p.Gly632Asp (NM_001440544.1); c.2120G>A (NM_000297.3); short protein forms G707D, G632D.
Identifiers: ClinVar variation 4707016 (VCV004707016.2).

ClinVar aggregate classification (germline): Uncertain significance. Review status: criteria provided, multiple submitters, no conflicts (2 of 4 stars). 2 submissions from 2 submitters: Uncertain significance (2). Last evaluated 2026-08-31.

Conditions:
Autosomal dominant polycystic kidney disease. Identifiers: Orphanet 730, MedGen C0085413, MONDO:0004691.
Inborn genetic diseases. Identifiers: MedGen C0950123, MeSH D030342.

gnomAD v4.1: 11 of 1,611,328 alleles (0.00068%); highest among the groups gnomAD compares: Non-Finnish European, 0.00093%; no homozygotes.

Submissions (2):

Ambry Genetics
Classification: Uncertain significance for Inborn genetic diseases. Last evaluated: 2026-08-31. Review status: criteria provided, single submitter. Criteria: Ambry Variant Classification Scheme 2023. Collection method: clinical testing. Allele origin: germline.

Labcorp Genetics (formerly Invitae), Labcorp
Classification: Uncertain significance for Autosomal dominant polycystic kidney disease. Last evaluated: 2025-02-08. Review status: criteria provided, single submitter. Criteria: Invitae Variant Classification Sherloc (09022015). Collection method: clinical testing. Allele origin: germline.
Comment: This sequence change replaces glycine, which is neutral and non-polar, with aspartic acid, which is acidic and polar, at codon 707 of the PKD2 protein (p.Gly707Asp). This variant is present in population databases (no rsID available, gnomAD 0.0009%). This variant has not been reported in the literature in individuals affected with PKD2-related conditions. An algorithm developed to predict the effect of missense changes on protein structure and function (PolyPhen-2) suggests that this variant is likely to be disruptive. In summary, the available evidence is currently insufficient to determine the role of this variant in disease. Therefore, it has been classified as a Variant of Uncertain Significance.